The following is an entry in ClinVar:

ClinVar aggregate classification (germline): Uncertain significance (1 of 4 stars; one submission).

Submission:

GeneDx
Classification: Uncertain significance. Last evaluated: 2025-08-14. Review status: criteria provided, single submitter. Criteria: GeneDx Variant Classification Process June 2021. Collection method: clinical testing. Allele origin: germline. Affected: yes.
Comment: In silico analysis suggests that this missense variant does not alter protein structure/function; Has not been previously published as pathogenic or benign to our knowledge

NM_213595.4(ISCU):c.16G>C (p.Ala6Pro)

Gene: ISCU (iron-sulfur cluster assembly enzyme; plus strand). Cytogenetic location: 12q23.3.
Variant type: single nucleotide variant.
Coding change: c.16G>C on transcript NM_213595.4 (MANE Select); coding-DNA position 16, G replaced by C.
Protein change: p.Ala6Pro; replaces alanine 6 with proline.
Molecular consequence: missense variant. On other transcripts: 5 prime UTR variant (1), non-coding transcript variant (1).
Genome position (GRCh38, 1-based): chr12:108,562,638, G>C. VCF-style: chr12-108562638-G-C. GRCh37 (hg19) VCF-style: chr12-108956414-G-C.
Other names: c.16G>C, p.Ala6Pro (NM_001301140.1, NM_001301141.1, NM_001320042.1); c.-156G>C (NM_014301.4); short protein forms A6P.
Identifiers: ClinVar variation 4795671 (VCV004795671.1).